The following is an entry in ClinVar:

ClinVar aggregate classification (germline): Benign/Likely benign. Review status: criteria provided, multiple submitters, no conflicts (2 of 4 stars). 3 submissions from 3 submitters: Benign (1); Likely benign (2). Last evaluated 2024-03-15.

Conditions:
Hereditary cancer-predisposing syndrome. Also called: Neoplastic Syndromes, Hereditary; Tumor predisposition; Hereditary Cancer Syndrome; Hereditary neoplastic syndrome. Identifiers: Orphanet 140162, MedGen C0027672, MeSH D009386, MONDO:0015356.
Familial adenomatous polyposis 1 (FAP1). Also called: POLYPOSIS, ADENOMATOUS INTESTINAL; FAMILIAL ADENOMATOUS POLYPOSIS 1, ATTENUATED. Identifiers: MedGen C2713442, MONDO:0021056, OMIM 175100. Disease mechanism: loss of function.

Submissions (3):

Myriad Genetics, Inc.
Classification: Benign for Familial adenomatous polyposis 1. Last evaluated: 2024-03-15. Review status: criteria provided, single submitter. Criteria: Myriad Autosomal Dominant, Autosomal Recessive and X-Linked Classification Criteria (2023). Collection method: clinical testing. Allele origin: unknown.
Comment: This variant is considered benign. This variant is a silent/synonymous amino acid change and it is not expected to impact splicing.

Labcorp Genetics (formerly Invitae), Labcorp
Classification: Likely benign for Familial adenomatous polyposis 1. Last evaluated: 2024-03-02. Review status: criteria provided, single submitter. Criteria: Invitae Variant Classification Sherloc (09022015). Collection method: clinical testing. Allele origin: germline.

Ambry Genetics
Classification: Likely benign for Hereditary cancer-predisposing syndrome. Last evaluated: 2020-06-06. Review status: criteria provided, single submitter. Criteria: Ambry Variant Classification Scheme 2023. Collection method: clinical testing. Allele origin: germline.

NM_000038.6(APC):c.2979G>A (p.Lys993=)

Gene: APC (APC regulator of Wnt signaling pathway; plus strand). Cytogenetic location: 5q22.2.
Variant type: single nucleotide variant.
Coding change: c.2979G>A on transcript NM_000038.6 (MANE Select); coding-DNA position 2979, G replaced by A.
Protein change: p.Lys993=; no amino-acid change (lysine 993 retained).
Molecular consequence: synonymous variant. On other transcripts: non-coding transcript variant (2).
Genome position (GRCh38, 1-based): chr5:112,838,573, G>A. VCF-style: chr5-112838573-G-A. GRCh37 (hg19) VCF-style: chr5-112174270-G-A.
Other names: c.2979G>A, p.Lys993= (NM_001407450.1, NM_001127510.3, NM_001354895.2); c.2958G>A, p.Lys986= (NM_001407451.1); c.2949G>A, p.Lys983= (NM_001407452.1); c.2802G>A, p.Lys934= (NM_001407453.1, NM_001354901.2); c.2730G>A, p.Lys910= (NM_001407454.1, NM_001407455.1, NM_001407456.1 and 1 more transcripts); c.2676G>A, p.Lys892= (NM_001407458.1, NM_001407459.1, NM_001407460.1 and 1 more transcripts); c.2592G>A, p.Lys864= (NM_001407467.1, NM_001407469.1); c.2130G>A, p.Lys710= (NM_001407470.1, NM_001354906.2); and 11 more.
Identifiers: ClinVar variation 1798363 (VCV001798363.4), dbSNP rs2149881496, ClinGen allele CA445963101.